The following is an entry in ClinVar:

ClinVar aggregate classification (germline): Uncertain significance. Review status: criteria provided, multiple submitters, no conflicts (2 of 4 stars). 4 submissions from 4 submitters: Uncertain significance (4). Last evaluated 2026-02-01.

Conditions:
TTN-related disorder. Also called: TTN-related condition; TTN-related disease; TTN-related disorders.
Cardiovascular phenotype. Identifiers: MedGen CN230736.

Allele frequency attached by ClinVar (database versions not stated): gnomAD exomes below 0.00001; TOPMed 0.00001; gnomAD 0.00002.
gnomAD v4.1: 4 of 1,613,740 alleles (0.00025%); highest among the groups gnomAD compares: Non-Finnish European, 0.00034%; no homozygotes.

Submissions (4):

PreventionGenetics, part of Exact Sciences
Classification: Uncertain significance for TTN-related condition. Last evaluated: 2026-02-01. Review status: criteria provided, single submitter. Criteria: ACMG Guidelines, 2015. Collection method: clinical testing. Allele origin: germline.
Comment: The TTN c.98453G>A variant is predicted to result in the amino acid substitution p.Arg32818Lys. To our knowledge, this variant has not been reported in the literature. This variant is reported in 0.0065% of alleles in individuals of European (Non-Finnish) descent in gnomAD. At this time, the clinical significance of this variant is uncertain due to the absence of conclusive functional and genetic evidence.

Revvity Omics, Revvity
Classification: Uncertain significance. Last evaluated: 2021-07-07. Review status: criteria provided, single submitter. Criteria: ACMG Guidelines, 2015. Collection method: clinical testing. Allele origin: germline.

Ambry Genetics
Classification: Uncertain significance for Cardiovascular phenotype. Last evaluated: 2019-06-19. Review status: criteria provided, single submitter. Criteria: Ambry Variant Classification Scheme 2023. Collection method: clinical testing. Allele origin: germline.
Comment: The p.R23753K variant (also known as c.71258G>A), located in coding exon 179 of the TTN gene, results from a G to A substitution at nucleotide position 71258. The arginine at codon 23753 is replaced by lysine, an amino acid with highly similar properties. This amino acid position is well conserved in available vertebrate species; however, lysine is the reference amino acid in other vertebrate species. In addition, this alteration is predicted to be tolerated by in silico analysis. Since supporting evidence is limited at this time, the clinical significance of this alteration remains unclear.

GeneDx
Classification: Uncertain significance. Last evaluated: 2014-05-18. Review status: criteria provided, single submitter. Criteria: GeneDx Variant Classification (06012015). Collection method: clinical testing. Allele origin: germline. Affected: yes.
Comment: Missense variants in the TTN gene are considered 'unclassified' if they are not previously reported in the literature and do not have >1% frequency in the population to be considered a polymorphism. Research indicates that truncating mutations in the TTN gene are expected to account for approximately 25% of familial and 18% of sporadic idiopathic DCM; however, truncating variants in the TTN gene have been reported in approximately 3% of reported control alleles. There has been little investigation into non-truncating variants. (Herman D et al. Truncations of titin causing dilated cardiomyopathy. N Eng J Med 366:619-628, 2012) The variant is found in CARDIOMYOPATHY panel(s).

NM_001267550.2(TTN):c.98453G>A (p.Arg32818Lys)

Genes: TTN-AS1 (TTN antisense RNA 1; plus strand), TTN (titin; minus strand). Cytogenetic location: 2q31.2.
Variant type: single nucleotide variant.
Coding change: c.98453G>A on transcript NM_001267550.2 (MANE Select); coding-DNA position 98453, G replaced by A.
Protein change: p.Arg32818Lys; replaces arginine 32818 with lysine.
Molecular consequence: missense variant. On other transcripts: non-coding transcript variant (1).
Genome position (GRCh38, 1-based): chr2:178,539,612, C>T on the plus strand (G>A on the coding strand, the complement: TTN is on the minus strand). VCF-style: chr2-178539612-C-T. GRCh37 (hg19) VCF-style: chr2-179404339-C-T.
Other names: p.R31177K:AGA>AAA; c.93530G>A, p.Arg31177Lys (NM_001256850.1); c.71258G>A, p.Arg23753Lys (NM_003319.4); c.90749G>A, p.Arg30250Lys (NM_133378.4); c.71633G>A, p.Arg23878Lys (NM_133432.3); c.71834G>A, p.Arg23945Lys (NM_133437.4); short protein forms R31177K, R32818K, R23753K, R30250K, R23878K, R23945K.
Identifiers: ClinVar variation 203038 (VCV000203038.8), dbSNP rs794729551, ClinGen allele CA311052.
Genomic context (GRCh38, chr2:178,539,612, plus strand): 5'-ACTTCTCGTCTCTCGAGGATGTAGCCTAAGATGTCAGCACCACCATCATCAGCAGGAGGT[C>T]TCCAGCTGACCCTCACAGAGCGGACTTGGATGTCATCATATTCCAGTGGCCCTTCTGGAC-3'
Protein context (NP_001254479.2, residues 32808-32828): IQVRSVRVSW[Arg32818Lys]PPADDGGADI